The following is an entry in ClinVar:

ClinVar aggregate classification (germline): Benign (1 of 4 stars; one submission).

Allele frequency attached by ClinVar (database versions not stated): gnomAD 0.02765 and 0.02914; TOPMed 0.02983; 1000 Genomes Project 0.03534; 1000 Genomes Project 30x 0.03795.
gnomAD v4.1: 4,166 of 152,038 alleles (2.7%); highest among the groups gnomAD compares: African/African-American, 9.4%; 177 homozygotes.

Submission:

GeneDx
Classification: Benign. Last evaluated: 2018-06-19. Review status: criteria provided, single submitter. Criteria: GeneDx Variant Classification (06012015). Collection method: clinical testing. Allele origin: germline. Affected: yes.
Comment: This variant is considered likely benign or benign based on one or more of the following criteria: it is a conservative change, it occurs at a poorly conserved position in the protein, it is predicted to be benign by multiple in silico algorithms, and/or has population frequency not consistent with disease.

NM_020822.3(KCNT1):c.434+269G>A

Gene: KCNT1 (potassium sodium-activated channel subfamily T member 1; plus strand). Cytogenetic location: 9q34.3.
Variant type: single nucleotide variant.
Coding change: c.434+269G>A on transcript NM_020822.3 (MANE Select); 269 bases into the intron after coding-DNA position 434, G replaced by A.
Molecular consequence: intron variant.
Genome position (GRCh38, 1-based): chr9:135,751,310, G>A. VCF-style: chr9-135751310-G-A. GRCh37 (hg19) VCF-style: chr9-138643156-G-A.
Other names: c.290+269G>A (NM_001272003.2).
Identifiers: ClinVar variation 669582 (VCV000669582.1), dbSNP rs57969144, ClinGen allele CA201451054.